The following is an entry in ClinVar:

ClinVar aggregate classification (germline): Uncertain significance (1 of 4 stars; one submission).

Allele frequency attached by ClinVar (database versions not stated): gnomAD exomes below 0.00001; TOPMed below 0.00001.
gnomAD v4.1: 4 of 1,606,414 alleles (0.00025%); highest among the groups gnomAD compares: Admixed American, 0.005%; no homozygotes.

Submission:

Labcorp Genetics (formerly Invitae), Labcorp
Classification: Uncertain significance. Last evaluated: 2025-06-16. Review status: criteria provided, single submitter. Criteria: Invitae Variant Classification Sherloc (09022015). Collection method: clinical testing. Allele origin: germline.
Comment: This sequence change replaces alanine, which is neutral and non-polar, with valine, which is neutral and non-polar, at codon 1979 of the CCDC88C protein (p.Ala1979Val). The frequency data for this variant in the population databases is considered unreliable, as metrics indicate poor data quality at this position in the gnomAD database. This variant has not been reported in the literature in individuals affected with CCDC88C-related conditions. ClinVar contains an entry for this variant (Variation ID: 1956065). An algorithm developed to predict the effect of missense changes on protein structure and function (PolyPhen-2) suggests that this variant is likely to be tolerated. In summary, the available evidence is currently insufficient to determine the role of this variant in disease. Therefore, it has been classified as a Variant of Uncertain Significance.

NM_001080414.4(CCDC88C):c.5936C>T (p.Ala1979Val)

Gene: CCDC88C (coiled-coil and HOOK domain protein 88C; minus strand). Cytogenetic location: 14q32.11.
Variant type: single nucleotide variant.
Coding change: c.5936C>T on transcript NM_001080414.4 (MANE Select); coding-DNA position 5936, C replaced by T.
Protein change: p.Ala1979Val; replaces alanine 1979 with valine.
Molecular consequence: missense variant.
Genome position (GRCh38, 1-based): chr14:91,272,776, G>A on the plus strand (C>T on the coding strand, the complement: CCDC88C is on the minus strand). VCF-style: chr14-91272776-G-A. GRCh37 (hg19) VCF-style: chr14-91739120-G-A.
Other names: short protein forms A1979V.
Identifiers: ClinVar variation 1956065 (VCV001956065.5), dbSNP rs919824349, ClinGen allele CA265517316.